The following is an entry in ClinVar:

ClinVar aggregate classification (germline): Uncertain significance (1 of 4 stars; one submission).

Conditions:
Familial hemophagocytic lymphohistiocytosis 5. Also called: STXBP2-Related Familial Hemophagocytic Lymphohistiocytosis (STXBP2-fHLH). Identifiers: Orphanet 540, MedGen C2751293, MONDO:0013135, OMIM 613101.

Allele frequency attached by ClinVar (database versions not stated): gnomAD exomes below 0.00001; TOPMed below 0.00001; ExAC 0.00001; gnomAD 0.00001.
gnomAD v4.1: 3 of 1,613,508 alleles (0.00019%); highest among the groups gnomAD compares: Admixed American, 0.0017%; no homozygotes.

Submission:

Labcorp Genetics (formerly Invitae), Labcorp
Classification: Uncertain significance for Familial hemophagocytic lymphohistiocytosis 5. Last evaluated: 2021-10-21. Review status: criteria provided, single submitter. Criteria: Invitae Variant Classification Sherloc (09022015). Collection method: clinical testing. Allele origin: germline.
Comment: This sequence change replaces isoleucine with valine at codon 404 of the STXBP2 protein (p.Ile404Val). The isoleucine residue is moderately conserved and there is a small physicochemical difference between isoleucine and valine. This variant is present in population databases (rs748212253, ExAC 0.009%). This variant has not been reported in the literature in individuals affected with STXBP2-related conditions. Algorithms developed to predict the effect of missense changes on protein structure and function are either unavailable or do not agree on the potential impact of this missense change (SIFT: "Tolerated"; PolyPhen-2: "Possibly Damaging"; Align-GVGD: "Class C0"). Algorithms developed to predict the effect of sequence changes on RNA splicing suggest that this variant may create or strengthen a splice site. In summary, the available evidence is currently insufficient to determine the role of this variant in disease. Therefore, it has been classified as a Variant of Uncertain Significance.

NM_006949.4(STXBP2):c.1210A>G (p.Ile404Val)

Gene: STXBP2 (syntaxin binding protein 2; plus strand). Cytogenetic location: 19p13.2.
Variant type: single nucleotide variant.
Coding change: c.1210A>G on transcript NM_006949.4 (MANE Select); coding-DNA position 1210, A replaced by G.
Protein change: p.Ile404Val; replaces isoleucine 404 with valine.
Molecular consequence: missense variant. On other transcripts: non-coding transcript variant (1).
Genome position (GRCh38, 1-based): chr19:7,644,716, A>G. VCF-style: chr19-7644716-A-G. GRCh37 (hg19) VCF-style: chr19-7709602-A-G.
Other names: c.1201A>G, p.Ile401Val (NM_001127396.3); c.1243A>G, p.Ile415Val (NM_001272034.2); short protein forms I401V, I415V, I404V.
Identifiers: ClinVar variation 1047272 (VCV001047272.4), dbSNP rs748212253, ClinGen allele CA9144029.
Genomic context (GRCh38, chr19:7,644,716, plus strand): 5'-GACTCCATGAAGCTGATCGTTCCGGTGCTGCTGGACGCGGCGGTGCCCGCCTACGACAAG[A>G]TCCGGGTCCTGCTGCTCTACATCCTCCTTCGGAATGGTGGGTGGGGGCTGCAGGGAGTTG-3'
Protein context (NP_008880.2, residues 394-414): LDAAVPAYDK[Ile404Val]RVLLLYILLR